The following is an entry in ClinVar:

NM_001854.4(COL11A1):c.3276+334C>A

Gene: COL11A1 (collagen type XI alpha 1 chain; minus strand). Cytogenetic location: 1p21.1.
Variant type: single nucleotide variant.
Coding change: c.3276+334C>A on transcript NM_001854.4 (MANE Select); 334 bases into the intron after coding-DNA position 3276, C replaced by A.
Molecular consequence: intron variant.
Genome position (GRCh38, 1-based): chr1:102,946,515, G>T on the plus strand (C>A on the coding strand, the complement: COL11A1 is on the minus strand). VCF-style: chr1-102946515-G-T. GRCh37 (hg19) VCF-style: chr1-103412071-G-T.
Other names: c.3159+334C>A (NM_001190709.2); c.3312+334C>A (NM_080629.3); c.2928+334C>A (NM_080630.4).
Identifiers: ClinVar variation 681238 (VCV000681238.1), dbSNP rs111390713, ClinGen allele CA10682087.

ClinVar aggregate classification (germline): Benign (1 of 4 stars; one submission).

Allele frequency attached by ClinVar (database versions not stated): 1000 Genomes Project 30x 0.03623; 1000 Genomes Project 0.03834; TOPMed 0.05797.
gnomAD v4.1: 9,505 of 151,626 alleles (6.3%); highest among the groups gnomAD compares: Non-Finnish European, 8.7%; 355 homozygotes.

Submission:

GeneDx
Classification: Benign. Last evaluated: 2018-06-14. Review status: criteria provided, single submitter. Criteria: GeneDx Variant Classification (06012015). Collection method: clinical testing. Allele origin: germline. Affected: yes.
Comment: This variant is considered likely benign or benign based on one or more of the following criteria: it is a conservative change, it occurs at a poorly conserved position in the protein, it is predicted to be benign by multiple in silico algorithms, and/or has population frequency not consistent with disease.